The following is an entry in ClinVar:

ClinVar aggregate classification (germline): Uncertain significance (1 of 4 stars; one submission).

Conditions:
Hereditary spastic paraplegia 11. Also called: SPASTIC PARAPLEGIA, AUTOSOMAL RECESSIVE, COMPLICATED, WITH THIN CORPUS CALLOSUM; SPASTIC PARAPLEGIA, AUTOSOMAL RECESSIVE, WITH MENTAL IMPAIRMENT AND THIN CORPUS CALLOSUM; Spastic paraplegia, mental retardation and thin corpus callosum; Nakamura Osame syndrome; Autosomal recessive hereditary spastic paraplegia, mental impairment, and thin corpus callosum; Spastic Paraplegia 11. Identifiers: Orphanet 2822, MedGen C1858479, MONDO:0011445, OMIM 604360.

Allele frequency attached by ClinVar (database versions not stated): TOPMed 0.00001.

Submission:

Labcorp Genetics (formerly Invitae), Labcorp
Classification: Uncertain significance for Hereditary spastic paraplegia 11. Last evaluated: 2020-01-27. Review status: criteria provided, single submitter. Criteria: Invitae Variant Classification Sherloc (09022015). Collection method: clinical testing. Allele origin: germline.
Comment: This variant has not been reported in the literature in individuals with SPG11-related conditions. In summary, the available evidence is currently insufficient to determine the role of this variant in disease. Therefore, it has been classified as a Variant of Uncertain Significance. Algorithms developed to predict the effect of missense changes on protein structure and function are either unavailable or do not agree on the potential impact of this missense change (SIFT: "Deleterious"; PolyPhen-2: "Probably Damaging"; Align-GVGD: "Class C0"). This variant is not present in population databases (ExAC no frequency). This sequence change replaces glycine with arginine at codon 524 of the SPG11 protein (p.Gly524Arg). The glycine residue is moderately conserved and there is a moderate physicochemical difference between glycine and arginine.

NM_025137.4(SPG11):c.1570G>A (p.Gly524Arg)

Gene: SPG11 (SPG11 vesicle trafficking associated, spatacsin; minus strand). Cytogenetic location: 15q21.1.
Variant type: single nucleotide variant.
Coding change: c.1570G>A on transcript NM_025137.4 (MANE Select); coding-DNA position 1570, G replaced by A.
Protein change: p.Gly524Arg; replaces glycine 524 with arginine.
Molecular consequence: missense variant.
Genome position (GRCh38, 1-based): chr15:44,648,898, C>T on the plus strand (G>A on the coding strand, the complement: SPG11 is on the minus strand). VCF-style: chr15-44648898-C-T. GRCh37 (hg19) VCF-style: chr15-44941096-C-T.
Other names: c.1570G>A, p.Gly524Arg (NM_001160227.2); short protein forms G524R.
Identifiers: ClinVar variation 858910 (VCV000858910.9), dbSNP rs1238362916, ClinGen allele CA392235525.